The following is an entry in ClinVar:

ClinVar aggregate classification (germline): Pathogenic (1 of 4 stars; one submission).

Conditions:
Hereditary cancer-predisposing syndrome. Also called: Neoplastic Syndromes, Hereditary; Tumor predisposition; Hereditary Cancer Syndrome; Hereditary neoplastic syndrome. Identifiers: Orphanet 140162, MedGen C0027672, MeSH D009386, MONDO:0015356.

Submission:

Ambry Genetics
Classification: Pathogenic for Hereditary cancer-predisposing syndrome. Last evaluated: 2018-11-23. Review status: criteria provided, single submitter. Criteria: Ambry Variant Classification Scheme 2023. Collection method: clinical testing. Allele origin: germline.
Comment: The c.1791delC pathogenic mutation, located in coding exon 16 of the TSC2 gene, results from a deletion of one nucleotide at nucleotide position 1791, causing a translational frameshift with a predicted alternate stop codon (p.Y598Tfs*100). This alteration is expected to result in loss of function by premature protein truncation or nonsense-mediated mRNA decay. As such, this alteration is interpreted as a disease-causing mutation.

NM_000548.5(TSC2):c.1791del (p.Tyr598fs)

Gene: TSC2 (TSC complex subunit 2; plus strand). Cytogenetic location: 16p13.3.
Variant type: Deletion.
Coding change: c.1791del on transcript NM_000548.5 (MANE Select); coding-DNA position 1791, one base deleted (C; older notation c.1791delC).
Protein change: p.Tyr598fs; shifts the reading frame from tyrosine 598.
Molecular consequence: frameshift variant.
Genome position (GRCh38, 1-based): chr16:2,070,530, C deleted. VCF-style (leftmost placement, unchanged base first): chr16-2070529-AC-A. GRCh37 (hg19) VCF-style: chr16-2120530-AC-A.
Other names: c.1791del, p.Tyr598fs (NM_001077183.3, NM_001114382.3, NM_001363528.2 and 3 more transcripts); c.1680del, p.Tyr561fs (NM_001318827.2); c.1644del, p.Tyr549fs (NM_001318829.2); c.1191del, p.Tyr398fs (NM_001318831.2); c.1824del, p.Tyr609fs (NM_001318832.2); c.1791delC, p.Tyr598Thrfs (NM_001406663.1, NM_001406664.1, NM_001406665.1); c.1881delC, p.Tyr628Thrfs (NM_001406667.1, NM_001406668.1); c.1680delC, p.Tyr561Thrfs (NM_001406670.1, NM_001406678.1); and 7 more; short protein forms Y609fs, Y549fs, Y398fs, Y561fs, Y598fs.
Identifiers: ClinVar variation 1780197 (VCV001780197.2), dbSNP rs2543629219, ClinGen allele CA2580090582.